The following is an entry in ClinVar:

NC_000023.10:g.(31676262_31697491)_(31986632_32235032)dup

Gene: DMD (dystrophin; minus strand). Cytogenetic location: Xp21.1.
Variant type: Duplication.
Identifiers: ClinVar variation 4848667 (VCV004848667.1).

ClinVar aggregate classification (germline): Uncertain significance (1 of 4 stars; one submission).

Submission:

Women's Health and Genetics/Laboratory Corporation of America, LabCorp
Classification: Uncertain significance. Last evaluated: 2026-04-28. Review status: criteria provided, single submitter. Criteria: LabCorp Variant Classification Summary - May 2015. Collection method: clinical testing. Allele origin: germline.
Comment: Variant summary: The variant involves the duplication of exons 45-53 in the DMD gene. A presumed nomenclature of c.(6438+1_6439-1)_(7872+1_7873-1)dup has been designated for the purposes of this classification. It is assumed to be a tandem duplication in direct orientation (PMIDs: 25640679, 30054569). This Copy Number Variant (CNV) is predicted to result in an in-frame duplication within this gene. The variant was absent in 16120 control chromosomes. The available data on variant occurrences in the general population are insufficient to allow any conclusion about variant significance. These report(s) do not provide unequivocal conclusions about association of the variant with Duchenne Muscular Dystrophy. To our knowledge, no experimental evidence demonstrating an impact on protein function has been reported. ClinVar contains an entry for this variant (Variation ID: 1411046). Based on the evidence outlined above, the variant was classified as uncertain significance.

Literature cited by the submitters: PubMed 31197268.